The following is an entry in ClinVar:

ClinVar aggregate classification (germline): Benign (1 of 4 stars; one submission).

Conditions:
Autoimmune lymphoproliferative syndrome type 1. Also called: AUTOIMMUNE LYMPHOPROLIFERATIVE SYNDROME, TYPE I, AUTOSOMAL DOMINANT. Identifiers: Orphanet 3261, MedGen C2717884, MONDO:0011158, OMIM 601859.

Allele frequency attached by ClinVar (database versions not stated): gnomAD exomes 0.00003 and 0.00007; 1000 Genomes Project 30x 0.00016; TOPMed below 0.00001; ExAC 0.00018; gnomAD 0.00001.
gnomAD v4.1: 20 of 772,808 alleles (0.0026%); highest among the groups gnomAD compares: South Asian, 0.029%; no homozygotes.

Submission:

Illumina Laboratory Services, Illumina
Classification: Benign for Autoimmune lymphoproliferative syndrome type 1. Last evaluated: 2018-01-13. Review status: criteria provided, single submitter. Criteria: ICSL Variant Classification Criteria 13 December 2019. Collection method: clinical testing. Allele origin: germline.
Comment: This variant was observed in the ICSL laboratory as part of a predisposition screen in an ostensibly healthy population. It had not been previously curated by ICSL or reported in the Human Gene Mutation Database (HGMD: prior to June 1st, 2018), and was therefore a candidate for classification through an automated scoring system. Utilizing variant allele frequency, disease prevalence and penetrance estimates, and inheritance mode, an automated score was calculated to assess if this variant is too frequent to cause the disease. Based on the score and internal cut-off values, a variant classified as benign is not then subjected to further curation. The score for this variant resulted in a classification of benign for this disease.

NM_000043.6(FAS):c.*174A>G

Gene: FAS (Fas cell surface death receptor; plus strand). Cytogenetic location: 10q23.31.
Variant type: single nucleotide variant.
Coding change: c.*174A>G on transcript NM_000043.6 (MANE Select); 174 bases downstream of the stop codon, A replaced by G.
Molecular consequence: 3 prime UTR variant. On other transcripts: non-coding transcript variant (7).
Genome position (GRCh38, 1-based): chr10:89,014,624, A>G. VCF-style: chr10-89014624-A-G. GRCh37 (hg19) VCF-style: chr10-90774381-A-G.
Other names: c.*505A>G (NM_001320619.2); c.*174A>G (NM_152871.4); c.*494A>G (NM_152872.4).
Identifiers: ClinVar variation 301535 (VCV000301535.5), dbSNP rs776971935, ClinGen allele CA5593265.